The following is an entry in ClinVar:

ClinVar aggregate classification (germline): Uncertain significance (1 of 4 stars; one submission).

Conditions:
Neuropathy, hereditary sensory and autonomic, type 2A (HSAN2A). Also called: ACROOSTEOLYSIS, GIACCAI TYPE; ACROOSTEOLYSIS, NEUROGENIC; WNK1-Related HSAN2 (HSAN2A); HSAN IIA; MORVAN DISEASE; NEUROPATHY, CONGENITAL SENSORY. Identifiers: Orphanet 970, MedGen C2752089, MONDO:0024309, OMIM 201300.
Generalized epilepsy with febrile seizures plus, type 7 (GEFSP7). Also called: GEFS+, TYPE 7. Identifiers: Orphanet 36387, MedGen C2751778, MONDO:0013470, OMIM 613863.

gnomAD v4.1: 2 of 1,608,922 alleles (0.00012%); highest among the groups gnomAD compares: Non-Finnish European, 0.00017%; no homozygotes.

Submission:

Labcorp Genetics (formerly Invitae), Labcorp
Classification: Uncertain significance for Neuropathy, hereditary sensory and autonomic, type 2A; Generalized epilepsy with febrile seizures plus, type 7. Last evaluated: 2022-06-11. Review status: criteria provided, single submitter. Criteria: Invitae Variant Classification Sherloc (09022015). Collection method: clinical testing. Allele origin: germline.
Comment: This variant is present in population databases (no rsID available, gnomAD 0.0009%). This sequence change replaces isoleucine, which is neutral and non-polar, with asparagine, which is neutral and polar, at codon 1493 of the SCN9A protein (p.Ile1493Asn). This variant has not been reported in the literature in individuals affected with SCN9A-related conditions. In summary, the available evidence is currently insufficient to determine the role of this variant in disease. Therefore, it has been classified as a Variant of Uncertain Significance. Algorithms developed to predict the effect of missense changes on protein structure and function are either unavailable or do not agree on the potential impact of this missense change (SIFT: "Deleterious"; PolyPhen-2: "Benign"; Align-GVGD: "Class C15").

NM_001365536.1(SCN9A):c.4511T>A (p.Ile1504Asn)

Genes: SCN9A (sodium voltage-gated channel alpha subunit 9; minus strand), SCN1A-AS1 (SCN1A and SCN9A antisense RNA 1; plus strand). Cytogenetic location: 2q24.3.
Variant type: single nucleotide variant.
Coding change: c.4511T>A on transcript NM_001365536.1 (MANE Select); coding-DNA position 4511, T replaced by A.
Protein change: p.Ile1504Asn; replaces isoleucine 1504 with asparagine.
Molecular consequence: missense variant.
Genome position (GRCh38, 1-based): chr2:166,204,218, A>T on the plus strand (T>A on the coding strand, the complement: SCN9A is on the minus strand). VCF-style: chr2-166204218-A-T. GRCh37 (hg19) VCF-style: chr2-167060728-A-T.
Other names: c.4478T>A, p.Ile1493Asn (NM_002977.4); short protein forms I1493N, I1504N.
Identifiers: ClinVar variation 1951920 (VCV001951920.5), dbSNP rs1288913720, ClinGen allele CA349058088.